The following is an entry in ClinVar:

ClinVar aggregate classification (germline): Uncertain significance (1 of 4 stars; one submission).

gnomAD v4.1: 5 of 1,591,696 alleles (0.00031%); highest among the groups gnomAD compares: Admixed American, 0.0017%; no homozygotes.

Submission:

Ambry Genetics
Classification: Uncertain significance. Last evaluated: 2025-07-31. Review status: criteria provided, single submitter. Criteria: Ambry Variant Classification Scheme 2023. Collection method: clinical testing. Allele origin: germline.
Comment: The p.A1016T variant (also known as c.3046G>A), located in coding exon 11 of the WNK2 gene, results from a G to A substitution at nucleotide position 3046. The alanine at codon 1016 is replaced by threonine, an amino acid with similar properties. This amino acid position is conserved. In addition, this alteration is predicted to be tolerated by in silico analysis. Based on the available evidence, the clinical significance of this variant remains unclear.

NM_006648.4(WNK2):c.3046G>A (p.Ala1016Thr)

Gene: WNK2 (WNK lysine deficient protein kinase 2; plus strand). Cytogenetic location: 9q22.31.
Variant type: single nucleotide variant.
Coding change: c.3046G>A on transcript NM_006648.4 (MANE Select); coding-DNA position 3046, G replaced by A.
Protein change: p.Ala1016Thr; replaces alanine 1016 with threonine.
Molecular consequence: missense variant.
Genome position (GRCh38, 1-based): chr9:93,259,594, G>A. VCF-style: chr9-93259594-G-A. GRCh37 (hg19) VCF-style: chr9-96021876-G-A.
Other names: c.3046G>A, p.Ala1016Thr (NM_001282394.3); short protein forms A1016T.
Identifiers: ClinVar variation 4201685 (VCV004201685.1).
Genomic context (GRCh38, chr9:93,259,594, plus strand): 5'-CCGGCACTGCCTGTGCGCCCTGAGCCCCTCCAGCCCCACCTTCCTGAACAAGCTGCTCCA[G>A]CTGCTACACCAGGGAGCCAGGTAATCACCTGCTGGGCAGGGGCTCACCCTCCCAGCGTCT-3'
Protein context (NP_006639.3, residues 1006-1026): QPHLPEQAAP[Ala1016Thr]ATPGSQILLG